The following is an entry in ClinVar:

ClinVar aggregate classification (germline): Pathogenic (1 of 4 stars; one submission).

Conditions:
Hereditary spastic paraplegia 11. Also called: Spastic Paraplegia 11; Nakamura Osame syndrome; Autosomal recessive hereditary spastic paraplegia, mental impairment, and thin corpus callosum; SPASTIC PARAPLEGIA, AUTOSOMAL RECESSIVE, COMPLICATED, WITH THIN CORPUS CALLOSUM; SPASTIC PARAPLEGIA, AUTOSOMAL RECESSIVE, WITH MENTAL IMPAIRMENT AND THIN CORPUS CALLOSUM; Spastic paraplegia, mental retardation and thin corpus callosum. Identifiers: Orphanet 2822, MedGen C1858479, MONDO:0011445, OMIM 604360.

Submission:

Labcorp Genetics (formerly Invitae), Labcorp
Classification: Pathogenic for Hereditary spastic paraplegia 11. Last evaluated: 2024-11-05. Review status: criteria provided, single submitter. Criteria: Invitae Variant Classification Sherloc (09022015). Collection method: clinical testing. Allele origin: germline.
Comment: This sequence change creates a premature translational stop signal (p.Ala532Cysfs*26) in the SPG11 gene. It is expected to result in an absent or disrupted protein product. Loss-of-function variants in SPG11 are known to be pathogenic (PMID: 19105190, 20110243, 22154821, 26556829). This variant is not present in population databases (gnomAD no frequency). This variant has not been reported in the literature in individuals affected with SPG11-related conditions. ClinVar contains an entry for this variant (Variation ID: 1454266). For these reasons, this variant has been classified as Pathogenic.

Literature cited by the submitters: PubMed 19105190; PubMed 20110243; PubMed 22154821; PubMed 26556829.

NM_025137.4(SPG11):c.1593dup (p.Ala532fs)

Gene: SPG11 (SPG11 vesicle trafficking associated, spatacsin; minus strand). Cytogenetic location: 15q21.1.
Variant type: Duplication.
Coding change: c.1593dup on transcript NM_025137.4 (MANE Select); coding-DNA position 1593, one base duplicated (T; older notation c.1593dupT).
Protein change: p.Ala532fs; shifts the reading frame from alanine 532.
Molecular consequence: frameshift variant.
Genome position (GRCh38, 1-based): chr15:44,648,875, A duplicated on the plus strand (T on the coding strand, the reverse complement: SPG11 is on the minus strand). VCF-style (leftmost placement, unchanged base first): chr15-44648874-C-CA. GRCh37 (hg19) VCF-style: chr15-44941072-C-CA.
Other names: c.1593dup, p.Ala532fs (NM_001160227.2); short protein forms A532fs.
Identifiers: ClinVar variation 1454266 (VCV001454266.6), dbSNP rs2141098660, ClinGen allele CA2573150740.
Genomic context (GRCh38, chr15:44,648,874, plus strand): 5'-GTATATAACACAAAATAATTAAGTAATGTTCTTGGGCATTTAATTCTGTTACCTCTAGTG[C>CA]ATGTATGGGAATTGAGCACCTTCCCCAGCCATTGAGATGACAAAGAGTGTCCACAGTGCT-3'